The following is an entry in ClinVar:

ClinVar aggregate classification (germline): Uncertain significance. Review status: criteria provided, multiple submitters, no conflicts (2 of 4 stars). 2 submissions from 2 submitters: Uncertain significance (2). Last evaluated 2024-10-01.

Submissions (2):

Ambry Genetics
Classification: Uncertain significance. Last evaluated: 2024-10-01. Review status: criteria provided, single submitter. Criteria: Ambry Variant Classification Scheme 2023. Collection method: clinical testing. Allele origin: germline.

Labcorp Genetics (formerly Invitae), Labcorp
Classification: Uncertain significance. Last evaluated: 2024-03-15. Review status: criteria provided, single submitter. Criteria: Invitae Variant Classification Sherloc (09022015). Collection method: clinical testing. Allele origin: germline.
Comment: This sequence change replaces serine, which is neutral and polar, with leucine, which is neutral and non-polar, at codon 394 of the DHX32 protein (p.Ser394Leu). This variant is not present in population databases (gnomAD no frequency). This variant has not been reported in the literature in individuals affected with DHX32-related conditions. An algorithm developed to predict the effect of missense changes on protein structure and function (PolyPhen-2) suggests that this variant is likely to be tolerated. In summary, the available evidence is currently insufficient to determine the role of this variant in disease. Therefore, it has been classified as a Variant of Uncertain Significance.

NM_018180.3(DHX32):c.1181C>T (p.Ser394Leu)

Genes: BCCIP (BRCA2 and CDKN1A interacting protein; plus strand), DHX32 (DEAH-box helicase 32 (putative); minus strand). Cytogenetic location: 10q26.2.
Variant type: single nucleotide variant.
Coding change: c.1181C>T on transcript NM_018180.3 (MANE Select); coding-DNA position 1181, C replaced by T.
Protein change: p.Ser394Leu; replaces serine 394 with leucine.
Molecular consequence: missense variant. On other transcripts: intron variant (1).
Genome position (GRCh38, 1-based): chr10:125,852,554, G>A on the plus strand (C>T on the coding strand, the complement: DHX32 is on the minus strand). VCF-style: chr10-125852554-G-A. GRCh37 (hg19) VCF-style: chr10-127541123-G-A.
Other names: c.851-571G>A (NM_016567.4); short protein forms S394L.
Identifiers: ClinVar variation 3501579 (VCV003501579.3).
Genomic context (GRCh38, chr10:125,852,554, plus strand): 5'-CCTGCATACAAGAATTGACAACATTTAGTATTTGTGTCCACAGCACTACCTGAAGAAGAT[G>A]AGCCAAGAATCTGCTTGCGTATCTCTGCCTGGCTCTGGCTGATGGGCTGCATGACGAGCG-3'
Protein context (NP_060650.2, residues 384-404): QAEIRKQILG[Ser394Leu]SSSGKFFCLY